The following is an entry in ClinVar:

NM_001298.3(CNGA3):c.811C>G (p.Pro271Ala)

Gene: CNGA3 (cyclic nucleotide gated channel subunit alpha 3; plus strand). Cytogenetic location: 2q11.2.
Variant type: single nucleotide variant.
Coding change: c.811C>G on transcript NM_001298.3 (MANE Select); coding-DNA position 811, C replaced by G.
Protein change: p.Pro271Ala; replaces proline 271 with alanine.
Molecular consequence: missense variant.
Genome position (GRCh38, 1-based): chr2:98,395,981, C>G. VCF-style: chr2-98395981-C-G. GRCh37 (hg19) VCF-style: chr2-99012444-C-G.
Other names: p.Pro271Ala; c.757C>G, p.Pro253Ala (NM_001079878.2); short protein forms P271A, P253A.
Identifiers: ClinVar variation 598143 (VCV000598143.31), dbSNP rs149802213, ClinGen allele CA1793899.

ClinVar aggregate classification (germline): Conflicting classifications of pathogenicity. Review status: criteria provided, conflicting classifications (1 of 4 stars). 12 submissions from 12 submitters: Pathogenic (5); Likely pathogenic (4); Uncertain significance (2). 1 of the submissions does not count toward it. Last evaluated 2026-03-11.

Conditions:
Achromatopsia 2 (ACHM2). Also called: COLORBLINDNESS, TOTAL; ROD MONOCHROMACY 2; ROD MONOCHROMATISM 2. Identifiers: Orphanet 49382, MedGen C1857618, MONDO:0009003, OMIM 216900.
CNGA3-related disorder. Also called: CNGA3-related condition.
CNGA3-related disorders.
Achromatopsia. Also called: Rod monochromatism. Identifiers: Orphanet 49382, MedGen C0152200, MONDO:0018852, HP:0011516.

Allele frequency attached by ClinVar (database versions not stated): gnomAD exomes 0.00010; gnomAD 0.00022; 1000 Genomes Project 30x 0.00031; TOPMed 0.00033; ESP Exome Variant Server 0.00038; 1000 Genomes Project 0.00040.
gnomAD v4.1: 195 of 1,614,178 alleles (0.012%); highest among the groups gnomAD compares: Middle Eastern, 0.12%; no homozygotes.

Submissions (12):

Department of Molecular Genetics, Istishari Arab Hospital
Classification: Likely pathogenic for Achromatopsia 2. Last evaluated: 2026-03-11. Review status: criteria provided, single submitter. Criteria: ACMG Guidelines, 2015. Collection method: clinical testing. Allele origin: germline. Inheritance: Autosomal recessive inheritance. Affected: yes.
Comment: The CNGA3 variant c.811C>G, p.Pro271Ala causes an amino acid change from Pro to Ala at position 271. The variant is observed at an extremely low frequency in the gnomAD v4.1.0 dataset (total allele frequency: <0.001%). This variant has been reported in the literature in multiple individuals with Achromatopsia 2 (PMID: 30682209, 31964843, 25616768, 35119454, 32913385, 37372476, 31456290, 38927562, 35332618). It is classified as likely pathogenic according to the recommendations of ACMG/AMP/ClinGen SVI guidelines.

GeneDx
Classification: Uncertain significance. Last evaluated: 2026-01-22. Review status: criteria provided, single submitter. Criteria: GeneDx Variant Classification Process June 2021. Collection method: clinical testing. Allele origin: germline. Affected: yes.
Comment: Identified in patients with CNGA3-related disorders referred for genetic testing at GeneDx and in published literature (PMID: 32913385, 35119454, 37372476); Identified in five members of one family with achromatopsia who also harbored a second variant in the CNGA3 gene (PMID: 25616768); In silico analysis supports that this missense variant has a deleterious effect on protein structure/function; This variant is associated with the following publications: (PMID: 30682209, 31964843, 25616768, 35119454, 32913385, 37372476, 31456290, 38927562, 35332618)

Women's Health and Genetics/Laboratory Corporation of America, LabCorp
Classification: Pathogenic for Achromatopsia 2. Last evaluated: 2025-12-05. Review status: criteria provided, single submitter. Criteria: LabCorp Variant Classification Summary - May 2015. Collection method: clinical testing. Allele origin: germline.
Comment: Variant summary: CNGA3 c.811C>G (p.Pro271Ala) results in a non-conservative amino acid change located in the Ion transport domain (IPR005821) of the encoded protein sequence. Algorithms developed to predict the effect of missense changes on protein structure and function all suggest that this variant is likely to be disruptive. The variant allele was found at a frequency of 0.00012 in 251424 control chromosomes. This frequency is not significantly higher than estimated for disease-causing variants in CNGA3, allowing no conclusion about variant significance. c.811C>G has been observed in multiple compound heterozygous individuals affected with Achromatopsia 2 or Cone-rod Dystrophy (e.g. Zelinger_2015, Sharon_2020, Del Pozo-Valero_2022, Sun_2020, Amaral_2023, Matczynska_2024, internal data). These data indicate that the variant is very likely to be associated with disease. At least one publication reports experimental evidence evaluating an impact on protein function. The most pronounced variant effect results in abnormal CNG channel activity (Solaki_2023). The following publications have been ascertained in the context of this evaluation (PMID: 37372476, 35119454, 38927562, 31456290, 37689994, 32913385, 25616768). ClinVar contains an entry for this variant (Variation ID: 598143). Based on the evidence outlined above, the variant was classified as pathogenic.

Labcorp Genetics (formerly Invitae), Labcorp
Classification: Pathogenic. Last evaluated: 2025-11-16. Review status: criteria provided, single submitter. Criteria: Invitae Variant Classification Sherloc (09022015). Collection method: clinical testing. Allele origin: germline.
Comment: This sequence change replaces proline, which is neutral and non-polar, with alanine, which is neutral and non-polar, at codon 271 of the CNGA3 protein (p.Pro271Ala). This variant is present in population databases (rs149802213, gnomAD 0.03%). This missense change has been observed in individual(s) with retinal disease (PMID: 25616768; internal data). In at least one individual the data is consistent with being in trans (on the opposite chromosome) from a pathogenic variant. ClinVar contains an entry for this variant (Variation ID: 598143). Invitae Evidence Modeling of protein sequence and biophysical properties (such as structural, functional, and spatial information, amino acid conservation, physicochemical variation, residue mobility, and thermodynamic stability) has been performed for this missense variant. However, the output from this modeling did not meet the statistical confidence thresholds required to predict the impact of this variant on CNGA3 protein function. This variant disrupts the p.Pro271 amino acid residue in CNGA3. Other variant(s) that disrupt this residue have been observed in individuals with CNGA3-related conditions (PMID: 30682209), which suggests that this may be a clinically significant amino acid residue. For these reasons, this variant has been classified as Pathogenic.

Dasa
Classification: Likely pathogenic for Achromatopsia 2. Last evaluated: 2025-07-14. Review status: criteria provided, single submitter. Criteria: DASA Assertion Criteria. Collection method: clinical testing. Allele origin: germline.
Comment: NM_001298.3(CNGA3):c.811C>G (p.Pro271Ala) is a missense variant that results in the substitution of proline with alanine. The affected residue or protein region has prior evidence supporting clinical relevance. This variant has been observed in affected individuals with CNGA3-related disorders. Also, this variant is rare in population databases. Computational evidence supports a deleterious effect. Based on the currently available evidence, this variant is classified as likely pathogenic.

First Genomix Gene Laboratory, Genetic Diagnostics Department
Classification: Likely pathogenic for Achromatopsia 2. Last evaluated: 2025-05-07. Review status: criteria provided, single submitter. Criteria: ACMG Guidelines, 2015. Collection method: clinical testing. Allele origin: germline. Inheritance: Autosomal recessive inheritance. Affected: no. Observed: 1 variant allele.

PreventionGenetics, part of Exact Sciences
Classification: Pathogenic for CNGA3-related condition. Last evaluated: 2025-03-20. Review status: criteria provided, single submitter. Criteria: ACMG Guidelines, 2015. Collection method: clinical testing. Allele origin: germline.
Comment: The CNGA3 c.811C>G variant is predicted to result in the amino acid substitution p.Pro271Ala. This variant has been reported in multiple individuals with achromatopsia (Zelinger et al. 2015. PubMed ID: 25616768; Table S2, Sharon et al. 2019. PubMed ID: 31456290; Table S2, Del Pozo-Valero et al. 2022. PubMed ID: 35119454). Alternate substitutions of this amino acid residue (p.Pro271Ser and p.Pro271Thr) have also been reported in individuals with achromatopsia (Georgiou et al. 2019. PubMed ID: 30682209; Solaki et al. 2022. PubMed ID: 35332618). This variant is present in 0.031% of alleles in individuals of Latino descent in gnomAD. Given the evidence, we interpret this variant as pathogenic.

Blueprint Genetics
Classification: Pathogenic for CNGA3-related disorders. Last evaluated: 2024-07-15. Review status: criteria provided, single submitter. Criteria: ACMG Guidelines, 2015. Collection method: clinical testing. Allele origin: germline. Affected: yes. Observed: 5 variant alleles.

Fulgent Genetics
Classification: Likely pathogenic for Achromatopsia 2. Last evaluated: 2024-03-05. Review status: criteria provided, single submitter. Criteria: ACMG Guidelines, 2015. Collection method: clinical testing. Allele origin: germline.

Equipe Genetique des Anomalies du Developpement, Université de Bourgogne
Classification: Pathogenic for Achromatopsia 2. Last evaluated: 2020-06-17. Review status: criteria provided, single submitter. Criteria: ACMG Guidelines, 2015. Collection method: clinical testing. Allele origin: germline. Affected: yes.

Eurofins Ntd Llc (ga)
Classification: Uncertain significance. Last evaluated: 2018-08-09. Review status: criteria provided, single submitter. Criteria: EGL ClinVar v180209 classification definitions. Collection method: clinical testing. Allele origin: germline. Observed: 1 variant allele, 1 heterozygote.

Sharon lab, Hadassah-Hebrew University Medical Center
Classification: Likely pathogenic for achromatopsia. Last evaluated: 2019-06-23. Review status: no assertion criteria provided. Collection method: research. Allele origin: inherited. Affected: yes. Not counted in ClinVar's aggregate classification.

Literature cited by the submitters: PubMed 30682209 (cited by Department of Molecular Genetics, Istishari Arab Hospital and Labcorp Genetics (formerly Invitae), Labcorp); PubMed 31964843 (cited by Department of Molecular Genetics, Istishari Arab Hospital); PubMed 25616768 (cited by 3 submitters); PubMed 35119454 (cited by Department of Molecular Genetics, Istishari Arab Hospital and Women's Health and Genetics/Laboratory Corporation of America, LabCorp); PubMed 32913385 (cited by Department of Molecular Genetics, Istishari Arab Hospital and Women's Health and Genetics/Laboratory Corporation of America, LabCorp); PubMed 37372476 (cited by Department of Molecular Genetics, Istishari Arab Hospital and Women's Health and Genetics/Laboratory Corporation of America, LabCorp); PubMed 31456290 (cited by Department of Molecular Genetics, Istishari Arab Hospital and Women's Health and Genetics/Laboratory Corporation of America, LabCorp); PubMed 38927562 (cited by Department of Molecular Genetics, Istishari Arab Hospital and Women's Health and Genetics/Laboratory Corporation of America, LabCorp); PubMed 35332618 (cited by Department of Molecular Genetics, Istishari Arab Hospital); PubMed 37689994 (cited by Women's Health and Genetics/Laboratory Corporation of America, LabCorp).